The following is an entry in ClinVar:

NM_173354.5(SIK1):c.2195T>G (p.Leu732Arg)

Gene: SIK1 (salt inducible kinase 1; minus strand). Cytogenetic location: 21q22.3.
Variant type: single nucleotide variant.
Coding change: c.2195T>G on transcript NM_173354.5 (MANE Select); coding-DNA position 2195, T replaced by G.
Protein change: p.Leu732Arg; replaces leucine 732 with arginine.
Molecular consequence: missense variant.
Genome position (GRCh38, 1-based): chr21:43,416,899, A>C on the plus strand (T>G on the coding strand, the complement: SIK1 is on the minus strand). VCF-style: chr21-43416899-A-C. GRCh37 (hg19) VCF-style: chr21-44836779-A-C.
Other names: short protein forms L732R.
Identifiers: ClinVar variation 2996140 (VCV002996140.3), dbSNP rs1420156076, ClinGen allele CA410606470.

ClinVar aggregate classification (germline): Uncertain significance (1 of 4 stars; one submission).

Conditions:
Developmental and epileptic encephalopathy, 30 (DEE30). Also called: Epileptic encephalopathy, early infantile, 30. Identifiers: MedGen C4225360, MONDO:0014595, OMIM 616341.

Submission:

Labcorp Genetics (formerly Invitae), Labcorp
Classification: Uncertain significance for Developmental and epileptic encephalopathy, 30. Last evaluated: 2024-02-14. Review status: criteria provided, single submitter. Criteria: Invitae Variant Classification Sherloc (09022015). Collection method: clinical testing. Allele origin: germline.
Comment: This sequence change replaces leucine, which is neutral and non-polar, with arginine, which is basic and polar, at codon 732 of the SIK1 protein (p.Leu732Arg). This variant is not present in population databases (gnomAD no frequency). This variant has not been reported in the literature in individuals affected with SIK1-related conditions. Advanced modeling of protein sequence and biophysical properties (such as structural, functional, and spatial information, amino acid conservation, physicochemical variation, residue mobility, and thermodynamic stability) performed at Invitae indicates that this missense variant is not expected to disrupt SIK1 protein function with a negative predictive value of 95%. In summary, the available evidence is currently insufficient to determine the role of this variant in disease. Therefore, it has been classified as a Variant of Uncertain Significance.